The following is an entry in ClinVar:

ClinVar aggregate classification (germline): Pathogenic. Review status: reviewed by expert panel (3 of 4 stars). 10 submissions from 10 submitters: Pathogenic (1). 9 of the submissions do not count toward it. Last evaluated 2025-05-03.

Conditions:
Muscular dystrophy, limb-girdle, autosomal dominant 4. Also called: Calpain-3-related limb-girdle muscular dystrophy D4; MUSCULAR DYSTROPHY, LIMB-GIRDLE, TYPE 1I. Identifiers: Orphanet 565909, MedGen C4748295, MONDO:0029133, OMIM 618129.
Autosomal recessive limb-girdle muscular dystrophy type 2A (LGMDR1). Also called: Muscular dystrophy, limb-girdle, type 2A, Amish; Limb-girdle muscular dystrophy, type 2A; Calpainopathy; LEYDEN-MOEBIUS MUSCULAR DYSTROPHY; MUSCULAR DYSTROPHY, PELVOFEMORAL. Identifiers: Orphanet 267, MedGen C1869123, MONDO:0009675, OMIM 253600. Disease mechanism: loss of function.
CAPN3-related disorder. Also called: CAPN3-related condition; CAPN3-related disorders. Identifiers: MedGen CN239245.
Autosomal recessive limb-girdle muscular dystrophy. Identifiers: Orphanet 102015, MedGen C2931907, MONDO:0015152.

Allele frequency attached by ClinVar (database versions not stated): ExAC 0.00001; gnomAD exomes 0.00001 and 0.00002; TOPMed 0.00002; gnomAD 0.00003; ESP Exome Variant Server 0.00008.
gnomAD v4.1: 28 of 1,598,414 alleles (0.0018%); highest among the groups gnomAD compares: African/African-American, 0.0027%; no homozygotes.

Submissions (10):

ClinGen Limb Girdle Muscular Dystrophy Variant Curation Expert Panel, ClinGen
Classification: Pathogenic for Autosomal recessive limb-girdle muscular dystrophy. Last evaluated: 2025-05-03. Review status: reviewed by expert panel. Criteria: ClinGen LGMD VCEP ACMG Specifications CAPN3 V1.0.0. Collection method: curation. Allele origin: germline. Inheritance: Autosomal recessive inheritance.
Comment: The NM_000070.3: c.1993-1G>A variant in CAPN3 occurs within the -1/2 dinucleotide splice acceptor site of intron 17. This variant is predicted to abolish the consensus splice acceptor site, with a SpliceAI score of 0.99, and strengthen an alternative site 1 bp away, with a SpliceAI score of 1.0. Use of the alternative acceptor site or skipping of exon 18, which is out of frame, would be expected to disrupt the reading frame, leading to nonsense mediated decay in a gene in which loss of function is an established mechanism of disease (PVS1). This variant has been reported in at least six patients with clinical features consistent with LGMD (PMID: 30564623, 26404900, 18055493; LOVD CAPN3_000288), including in a homozygous state in one proband from a family without reported consanguinity (0.5 pts, PMID: 30564623, LOVD Individual #00220357) and in unknown phase with a pathogenic variant in one individual (c.550del, 0.5 pts, PMID: 30564623, LOVD Individual #00219523) (PM3). At least one individual with this variant and a second presumed diagnostic variant in CAPN3 had a clinical suspicion of LGMD and significantly reduced calpain-3 protein expression on western blot, which is specific for CAPN3-related LGMD (PMID: 18055493; PP4_Moderate). The filtering allele frequency of this variant is 0.000030594 in the European (non-Finnish) population in gnomAD v4.1.0 (24/1103246 exomes), which is lower than the LGMD VCEP threshold (<0.0001) for PM2_Supporting, meeting this criterion (PM2_Supporting). In summary, this variant meets the criteria to be classified as Pathogenic for autosomal recessive limb girdle muscular dystrophy based on the ACMG/AMP criteria applied, as specified by the ClinGen LGMD VCEP (LGMD VCEP specifications version 1.0.0; 05/03/2025): PVS1, PM3, PP4_Moderate, PM2_Supporting.

Labcorp Genetics (formerly Invitae), Labcorp
Classification: Pathogenic for Autosomal recessive limb-girdle muscular dystrophy type 2A. Last evaluated: 2025-07-22. Review status: criteria provided, single submitter. Criteria: Invitae Variant Classification Sherloc (09022015). Collection method: clinical testing. Allele origin: germline. Not counted in ClinVar's aggregate classification.
Comment: This sequence change affects an acceptor splice site in intron 17 of the CAPN3 gene. It is expected to disrupt RNA splicing. Variants that disrupt the donor or acceptor splice site typically lead to a loss of protein function (PMID: 16199547), and loss-of-function variants in CAPN3 are known to be pathogenic (PMID: 10330340, 15689361). This variant is present in population databases (rs369552114, gnomAD 0.003%). Disruption of this splice site has been observed in individuals with clinical features of autosomal recessive limb-girdle muscular dystrophy (PMID: 18055493; internal data). ClinVar contains an entry for this variant (Variation ID: 282494). Algorithms developed to predict the effect of sequence changes on RNA splicing suggest that this variant may disrupt the consensus splice site. For these reasons, this variant has been classified as Pathogenic.

GeneDx
Classification: Pathogenic. Last evaluated: 2024-01-30. Review status: criteria provided, single submitter. Criteria: GeneDx Variant Classification Process June 2021. Collection method: clinical testing. Allele origin: germline. Affected: yes. Not counted in ClinVar's aggregate classification.
Comment: Canonical splice site variant predicted to result in a null allele in a gene for which loss of function is a known mechanism of disease; Not observed at significant frequency in large population cohorts (gnomAD); This variant is associated with the following publications: (PMID: 15689361, 32528171, 10330340, 26404900, 18055493)

Baylor Genetics
Classification: Pathogenic for Muscular dystrophy, limb-girdle, autosomal dominant 4. Last evaluated: 2023-09-13. Review status: criteria provided, single submitter. Criteria: ACMG Guidelines, 2015. Collection method: clinical testing. Allele origin: unknown. Not counted in ClinVar's aggregate classification.

Blueprint Genetics
Classification: Likely pathogenic for CAPN3-related disorders. Last evaluated: 2022-11-04. Review status: criteria provided, single submitter. Criteria: ACMG Guidelines, 2015. Collection method: clinical testing. Allele origin: germline. Affected: yes. Observed: 1 variant allele. Not counted in ClinVar's aggregate classification.

Revvity Omics, Revvity
Classification: Pathogenic. Last evaluated: 2020-02-21. Review status: criteria provided, single submitter. Criteria: ACMG Guidelines, 2015. Collection method: clinical testing. Allele origin: germline. Not counted in ClinVar's aggregate classification.

Fulgent Genetics
Classification: Pathogenic for Autosomal recessive limb-girdle muscular dystrophy type 2A; Muscular dystrophy, limb-girdle, autosomal dominant 4. Last evaluated: 2018-10-31. Review status: criteria provided, single submitter. Criteria: ACMG Guidelines, 2015. Collection method: clinical testing. Allele origin: unknown. Not counted in ClinVar's aggregate classification.

Eurofins Ntd Llc (ga)
Classification: Pathogenic. Last evaluated: 2017-01-30. Review status: criteria provided, single submitter. Criteria: EGL Classification Definitions 2015. Collection method: clinical testing. Allele origin: germline. Observed: 8 variant alleles, 7 heterozygotes, 1 homozygote. Not counted in ClinVar's aggregate classification.

Natera, Inc.
Classification: Pathogenic for Limb-girdle muscular dystrophy type 2A. Last evaluated: 2021-07-15. Review status: no assertion criteria provided. Collection method: clinical testing. Allele origin: germline. Not counted in ClinVar's aggregate classification.

Counsyl
Classification: Likely pathogenic for Autosomal recessive limb-girdle muscular dystrophy type 2A. Last evaluated: 2016-11-02. Review status: no assertion criteria provided. Collection method: clinical testing. Allele origin: unknown. Not counted in ClinVar's aggregate classification.

Literature cited by the submitters: PubMed 16199547 (cited by Labcorp Genetics (formerly Invitae), Labcorp); PubMed 10330340 (cited by Labcorp Genetics (formerly Invitae), Labcorp); PubMed 15689361 (cited by Labcorp Genetics (formerly Invitae), Labcorp); PubMed 18055493 (cited by Labcorp Genetics (formerly Invitae), Labcorp and Counsyl).

NM_000070.3(CAPN3):c.1993-1G>A

Gene: CAPN3 (calpain 3; plus strand). Cytogenetic location: 15q15.1.
Variant type: single nucleotide variant.
Coding change: c.1993-1G>A on transcript NM_000070.3 (MANE Select); the canonical splice acceptor site of the intron before coding-DNA position 1993, G replaced by A.
Molecular consequence: splice acceptor variant.
Genome position (GRCh38, 1-based): chr15:42,409,786, G>A. VCF-style: chr15-42409786-G-A. GRCh37 (hg19) VCF-style: chr15-42701984-G-A.
Other names: c.1975-1G>A (NM_024344.2); c.1717-1G>A (NM_173087.2); c.457-1G>A (NM_173088.2); c.-3-1G>A (NM_173090.2, NM_173089.2).
Identifiers: ClinVar variation 282494 (VCV000282494.28), dbSNP rs369552114, ClinGen allele CA7511659.